The following is an entry in ClinVar:

NM_006904.7(PRKDC):c.116G>A (p.Gly39Glu)

Genes: PRKDC (protein kinase, DNA-activated, catalytic subunit; minus strand), LOC129929030 (ATAC-STARR-seq lymphoblastoid silent region 19177; plus strand). Cytogenetic location: 8q11.21.
Variant type: single nucleotide variant.
Coding change: c.116G>A on transcript NM_006904.7 (MANE Select); coding-DNA position 116, G replaced by A.
Protein change: p.Gly39Glu; replaces glycine 39 with glutamic acid.
Molecular consequence: missense variant.
Genome position (GRCh38, 1-based): chr8:47,960,011, C>T on the plus strand (G>A on the coding strand, the complement: PRKDC is on the minus strand). VCF-style: chr8-47960011-C-T. GRCh37 (hg19) VCF-style: chr8-48872571-C-T.
Other names: c.116G>A, p.Gly39Glu (NM_001081640.2); short protein forms G39E.
Identifiers: ClinVar variation 3425258 (VCV003425258.1).
Genomic context (GRCh38, chr8:47,960,011, plus strand): 5'-CCCAGCTCGGGCCGGTACCCACCCAGCACCGCGGGGCTGCTGCTCAGGACGCATTCCTGC[C>T]CCAGGCCGCGGATCAGTTGATGACCGGCCAGGGCAGCACCGCAGCGGTCCGCAGCGGACA-3'
Protein context (NP_008835.5, residues 29-49): LAGHQLIRGL[Gly39Glu]QECVLSSSPA

ClinVar aggregate classification (germline): Uncertain significance (1 of 4 stars; one submission).

Submission:

Ambry Genetics
Classification: Uncertain significance. Last evaluated: 2024-06-29. Review status: criteria provided, single submitter. Criteria: Ambry Variant Classification Scheme 2023. Collection method: clinical testing. Allele origin: germline.
Comment: The p.G39E variant (also known as c.116G>A), located in coding exon 1 of the PRKDC gene, results from a G to A substitution at nucleotide position 116. The glycine at codon 39 is replaced by glutamic acid, an amino acid with similar properties. This amino acid position is conserved. In addition, this alteration is predicted to be tolerated by in silico analysis. Based on the available evidence, the clinical significance of this variant remains unclear.